The following is an entry in ClinVar:

ClinVar aggregate classification (germline): Uncertain significance (0 of 4 stars; one submission).

Conditions:
ARMC5-related disorder. Also called: ARMC5-related condition.

Allele frequency attached by ClinVar (database versions not stated): ExAC 0.00001; gnomAD 0.00001; TOPMed 0.00002.
gnomAD v4.1: 12 of 1,598,538 alleles (0.00075%); highest among the groups gnomAD compares: East Asian, 0.022%; no homozygotes.

Submission:

PreventionGenetics, part of Exact Sciences
Classification: Uncertain significance for ARMC5-related condition. Last evaluated: 2024-02-02. Review status: no assertion criteria provided. Collection method: clinical testing. Allele origin: germline.
Comment: The ARMC5 c.2161G>T variant is predicted to result in the amino acid substitution p.Gly721Cys. To our knowledge, this variant has not been reported in the literature. This variant is reported in 0.028% of alleles in individuals of East Asian descent in gnomAD. Although we suspect that this variant may be benign, at this time, the clinical significance of this variant is uncertain due to the absence of conclusive functional and genetic evidence.

NM_001105247.2(ARMC5):c.1864+297G>T

Gene: ARMC5 (armadillo repeat containing 5; plus strand). Cytogenetic location: 16p11.2.
Variant type: single nucleotide variant.
Coding change: c.1864+297G>T on transcript NM_001105247.2 (MANE Select); 297 bases into the intron after coding-DNA position 1864, G replaced by T.
Molecular consequence: intron variant. On other transcripts: missense variant (1).
Genome position (GRCh38, 1-based): chr16:31,465,184, G>T. VCF-style: chr16-31465184-G-T. GRCh37 (hg19) VCF-style: chr16-31476505-G-T.
Other names: c.2161G>T, p.Gly721Cys (NM_024742.2); c.2149+297G>T (NM_001288767.2); c.1960+297G>T (NM_001301820.1); short protein forms G721C.
Identifiers: ClinVar variation 2634528 (VCV002634528.3), dbSNP rs780433743, ClinGen allele CA8029880.